The following is an entry in ClinVar:

NM_006445.4(PRPF8):c.1317G>T (p.Gln439His)

Gene: PRPF8 (pre-mRNA processing factor 8; minus strand). Cytogenetic location: 17p13.3.
Variant type: single nucleotide variant.
Coding change: c.1317G>T on transcript NM_006445.4 (MANE Select); coding-DNA position 1317, G replaced by T.
Protein change: p.Gln439His; replaces glutamine 439 with histidine.
Molecular consequence: missense variant.
Genome position (GRCh38, 1-based): chr17:1,679,383, C>A on the plus strand (G>T on the coding strand, the complement: PRPF8 is on the minus strand). VCF-style: chr17-1679383-C-A. GRCh37 (hg19) VCF-style: chr17-1582677-C-A.
Other names: short protein forms Q439H.
Identifiers: ClinVar variation 957383 (VCV000957383.7), dbSNP rs1912780617, ClinGen allele CA397562517.

ClinVar aggregate classification (germline): Uncertain significance (1 of 4 stars; one submission).

Submission:

Labcorp Genetics (formerly Invitae), Labcorp
Classification: Uncertain significance. Last evaluated: 2020-02-22. Review status: criteria provided, single submitter. Criteria: Invitae Variant Classification Sherloc (09022015). Collection method: clinical testing. Allele origin: germline.
Comment: Algorithms developed to predict the effect of missense changes on protein structure and function (SIFT, PolyPhen-2, Align-GVGD) all suggest that this variant is likely to be tolerated, but these predictions have not been confirmed by published functional studies and their clinical significance is uncertain. This sequence change replaces glutamine with histidine at codon 439 of the PRPF8 protein (p.Gln439His). The glutamine residue is moderately conserved and there is a small physicochemical difference between glutamine and histidine. This variant is not present in population databases (ExAC no frequency). This variant has not been reported in the literature in individuals with PRPF8-related conditions. In summary, the available evidence is currently insufficient to determine the role of this variant in disease. Therefore, it has been classified as a Variant of Uncertain Significance.